The following is an entry in ClinVar:

NC_000016.9:g.(?_23555815)_(23556044_?)del

Gene: EARS2 (glutamyl-tRNA synthetase 2, mitochondrial; minus strand). Cytogenetic location: 16p12.2.
Variant type: Deletion.
Identifiers: ClinVar variation 2423669 (VCV002423669.4).

ClinVar aggregate classification (germline): Pathogenic (1 of 4 stars; one submission).

Submission:

Labcorp Genetics (formerly Invitae), Labcorp
Classification: Pathogenic. Last evaluated: 2022-07-21. Review status: criteria provided, single submitter. Criteria: Invitae Variant Classification Sherloc (09022015). Collection method: clinical testing. Allele origin: germline.
Comment: This variant is a gross deletion of the genomic region encompassing exon(s) 3 of the EARS2 gene. This deletion is out-of-frame, and is expected to create a premature termination codon and result in an absent or disrupted protein product. Loss-of-function variants in EARS2 are known to be pathogenic (PMID: 22492562). This variant has not been reported in the literature in individuals affected with EARS2-related conditions. For these reasons, this variant has been classified as Pathogenic.

Literature cited by the submitters: PubMed 22492562.